The following is an entry in ClinVar:

NM_024782.3(NHEJ1):c.475A>G (p.Met159Val)

Gene: NHEJ1 (non-homologous end joining factor 1; minus strand). Cytogenetic location: 2q35.
Variant type: single nucleotide variant.
Coding change: c.475A>G on transcript NM_024782.3 (MANE Select); coding-DNA position 475, A replaced by G.
Protein change: p.Met159Val; replaces methionine 159 with valine.
Molecular consequence: missense variant. On other transcripts: non-coding transcript variant (1).
Genome position (GRCh38, 1-based): chr2:219,147,711, T>C on the plus strand (A>G on the coding strand, the complement: NHEJ1 is on the minus strand). VCF-style: chr2-219147711-T-C. GRCh37 (hg19) VCF-style: chr2-220012433-T-C.
Other names: c.475A>G, p.Met159Val (NM_001377498.1, NM_001377499.1); short protein forms M159V.
Identifiers: ClinVar variation 2828558 (VCV002828558.3), dbSNP rs1404647524, ClinGen allele CA350628387.
Genomic context (GRCh38, chr2:219,147,711, plus strand): 5'-TCTTACCTCGAATCAGCGTAGCCCCACTCTCCTGGTAGTCTTGGATCTCTAGGTCTTTCA[T>C]ATGAAGTAACGTTGCTAGCTCCCTCACTTGGCACTGTAATGCCAGACTCATGCCCATCAG-3'
Protein context (NP_079058.1, residues 149-169): QVRELATLLH[Met159Val]KDLEIQDYQE

ClinVar aggregate classification (germline): Uncertain significance (1 of 4 stars; one submission).

Conditions:
Cernunnos-XLF deficiency (IMD124). Also called: NHEJ1 SYNDROME; SCID, AUTOSOMAL RECESSIVE, T CELL-NEGATIVE, B CELL-NEGATIVE, NK CELL-POSITIVE, WITH MICROCEPHALY, GROWTH RETARDATION, AND SENSITIVITY TO IONIZING RADIATION; Severe combined immunodeficiency with sensitivity to ionizing radiation due to NHEJ1 deficiency; SCID, autosomal recessive, T cell-negative, B cell-negative, NK cell-positive, and sensitivity to ionizing radiation due to NHEJ1 deficiency; IMMUNODEFICIENCY 124, SEVERE COMBINED. Identifiers: Orphanet 169079, MedGen C1969799, MONDO:0012650, OMIM 611291.

Allele frequency attached by ClinVar (database versions not stated): gnomAD exomes below 0.00001.

Submission:

Labcorp Genetics (formerly Invitae), Labcorp
Classification: Uncertain significance for Cernunnos-XLF deficiency. Last evaluated: 2023-06-22. Review status: criteria provided, single submitter. Criteria: Invitae Variant Classification Sherloc (09022015). Collection method: clinical testing. Allele origin: germline.
Comment: This sequence change replaces methionine, which is neutral and non-polar, with valine, which is neutral and non-polar, at codon 159 of the NHEJ1 protein (p.Met159Val). This variant is present in population databases (no rsID available, gnomAD 0.003%). In summary, the available evidence is currently insufficient to determine the role of this variant in disease. Therefore, it has been classified as a Variant of Uncertain Significance. Advanced modeling of protein sequence and biophysical properties (such as structural, functional, and spatial information, amino acid conservation, physicochemical variation, residue mobility, and thermodynamic stability) performed at Invitae indicates that this missense variant is not expected to disrupt NHEJ1 protein function. This variant has not been reported in the literature in individuals affected with NHEJ1-related conditions.